The following is an entry in ClinVar:

ClinVar aggregate classification (germline): Likely pathogenic. Review status: reviewed by expert panel (3 of 4 stars). 3 submissions from 3 submitters: Likely pathogenic (1). 2 of the submissions do not count toward it. Last evaluated 2025-08-01.

Conditions:
RYR1-related disorder. Also called: RYR1-related disorders; RYR1-related condition. Identifiers: MedGen CN239331.
Malignant hyperthermia, susceptibility to, 1 (MHS1). Also called: RYR1-Related Malignant Hyperthermia Susceptibility; Malignant hyperthermia suceptibility 1; Anesthesia related hyperthermia; Malignant hyperpyrexia; Fulminating hyperpyrexia; Pharmacogenic myopathy. Identifiers: Orphanet 423, MedGen C2930980, MONDO:0007783, OMIM 145600.

gnomAD v4.1: 10 of 1,600,832 alleles (0.00062%); highest among the groups gnomAD compares: Non-Finnish European, 0.00085%; no homozygotes.

Submissions (3):

ClinGen Malignant Hyperthermia Susceptibility Variant Curation Expert Panel, ClinGen
Classification: Likely pathogenic for Malignant hyperthermia, susceptibility to, 1. Last evaluated: 2025-08-01. Review status: reviewed by expert panel. Criteria: ClinGen MHS ACMG Specifications V2. Collection method: curation. Allele origin: germline. Inheritance: Autosomal dominant inheritance.
Comment: This pathogenicity assessment is relevant only for malignant hyperthermia susceptibility (MHS) inherited in an autosomal dominant pattern. Variants in RYR1 can also cause other myopathies inherited in an autosomal dominant pattern or in an autosomal recessive pattern. Some of these disorders may predispose individuals to malignant hyperthermia. RYR1 variants may also contribute to a malignant hyperthermia reaction in combination with other genetic and non-genetic factors and the clinician needs to consider such factors in making management decisions. This sequence variant predicts a substitution of phenylalanine with valine at codon 2364 of the RYR1 protein, p.(Phe2364Val). This variant was not present in a large population database (gnomAD) at the time this variant was interpreted. This variant has been reported in two unrelated individuals who have a personal or family history of a malignant hyperthermia reaction; both of these individuals had a positive in vitro contracture test (IVCT) or caffeine halothane contracture test (CHCT) result (if the proband was unavailable for testing, a positive diagnostic test result in a mutation-positive relative was counted), PS4_Moderate (PMID:30236257). No functional studies were identified for this variant. This variant resides in a region of RYR1 considered to be a hotspot for pathogenic variants that contribute to MHS, PM1 (PMID: 21118704). A REVEL score ‚â•0.85 (0.85) supports a pathogenic status for this variant, PP3_Moderate. This variant has been classified as Likely Pathogenic. Criteria implemented: PS4_Moderate, PM1, PP3_Moderate.

Labcorp Genetics (formerly Invitae), Labcorp
Classification: Pathogenic for RYR1-related disorder. Last evaluated: 2022-05-30. Review status: criteria provided, single submitter. Criteria: Invitae Variant Classification Sherloc (09022015). Collection method: clinical testing. Allele origin: germline. Not counted in ClinVar's aggregate classification.
Comment: ClinVar contains an entry for this variant (Variation ID: 133185). This sequence change replaces phenylalanine, which is neutral and non-polar, with valine, which is neutral and non-polar, at codon 2364 of the RYR1 protein (p.Phe2364Val). This variant is not present in population databases (gnomAD no frequency). This missense change has been observed in individual(s) with malignant hyperthermia susceptibility (PMID: 30236257). Advanced modeling of protein sequence and biophysical properties (such as structural, functional, and spatial information, amino acid conservation, physicochemical variation, residue mobility, and thermodynamic stability) performed at Invitae indicates that this missense variant is expected to disrupt RYR1 protein function. For these reasons, this variant has been classified as Pathogenic.

RYR1 database
No classification provided. Review status: no classification provided. Collection method: not provided. Allele origin: unknown. Not counted in ClinVar's aggregate classification.

Literature cited by the submitters: PubMed 30236257 (cited by Labcorp Genetics (formerly Invitae), Labcorp).

NM_000540.3(RYR1):c.7090T>G (p.Phe2364Val)

Gene: RYR1 (ryanodine receptor 1; plus strand). Cytogenetic location: 19q13.2.
Variant type: single nucleotide variant.
Coding change: c.7090T>G on transcript NM_000540.3 (MANE Select); coding-DNA position 7090, T replaced by G.
Protein change: p.Phe2364Val; replaces phenylalanine 2364 with valine.
Molecular consequence: missense variant.
Genome position (GRCh38, 1-based): chr19:38,499,697, T>G. VCF-style: chr19-38499697-T-G. GRCh37 (hg19) VCF-style: chr19-38990337-T-G.
Other names: c.7090T>G (NM_000540.2); c.7090T>G, p.Phe2364Val (NM_001042723.2); short protein forms F2364V.
Identifiers: ClinVar variation 133185 (VCV000133185.8), dbSNP rs193922805, ClinGen allele CA024702.